The following is an entry in ClinVar:

ClinVar aggregate classification (germline): Uncertain significance (1 of 4 stars; one submission).

gnomAD v4.1: 2 of 1,613,892 alleles (0.00012%); highest among the groups gnomAD compares: Non-Finnish European, 0.00017%; no homozygotes.

Submission:

Labcorp Genetics (formerly Invitae), Labcorp
Classification: Uncertain significance. Last evaluated: 2025-10-13. Review status: criteria provided, single submitter. Criteria: Invitae Variant Classification Sherloc (09022015). Collection method: clinical testing. Allele origin: germline.
Comment: This sequence change replaces aspartic acid, which is acidic and polar, with asparagine, which is neutral and polar, at codon 99 of the ADAMTS13 protein (p.Asp99Asn). This variant is not present in population databases (gnomAD no frequency). This variant has not been reported in the literature in individuals affected with ADAMTS13-related conditions. ClinVar contains an entry for this variant (Variation ID: 1715265). Invitae Evidence Modeling of protein sequence and biophysical properties (such as structural, functional, and spatial information, amino acid conservation, physicochemical variation, residue mobility, and thermodynamic stability) indicates that this missense variant is not expected to disrupt ADAMTS13 protein function with a negative predictive value of 80%. In summary, the available evidence is currently insufficient to determine the role of this variant in disease. Therefore, it has been classified as a Variant of Uncertain Significance.

NM_139027.6(ADAMTS13):c.295G>A (p.Asp99Asn)

Gene: ADAMTS13 (ADAM metallopeptidase with thrombospondin type 1 motif 13; plus strand). Cytogenetic location: 9q34.2.
Variant type: single nucleotide variant.
Coding change: c.295G>A on transcript NM_139027.6 (MANE Select); coding-DNA position 295, G replaced by A.
Protein change: p.Asp99Asn; replaces aspartic acid 99 with asparagine.
Molecular consequence: missense variant. On other transcripts: non-coding transcript variant (1).
Genome position (GRCh38, 1-based): chr9:133,424,443, G>A. VCF-style: chr9-133424443-G-A. GRCh37 (hg19) VCF-style: chr9-136289563-G-A.
Other names: c.295G>A, p.Asp99Asn (NM_139025.5, NM_139026.6); short protein forms D99N.
Identifiers: ClinVar variation 1715265 (VCV001715265.5), dbSNP rs2491059583, ClinGen allele CA375707244.